The following is an entry in ClinVar:

NM_017763.6(RNF43):c.1849A>G (p.Arg617Gly)

Gene: RNF43 (ring finger protein 43; minus strand). Cytogenetic location: 17q22.
Variant type: single nucleotide variant.
Coding change: c.1849A>G on transcript NM_017763.6 (MANE Select); coding-DNA position 1849, A replaced by G.
Protein change: p.Arg617Gly; replaces arginine 617 with glycine.
Molecular consequence: missense variant.
Genome position (GRCh38, 1-based): chr17:58,357,927, T>C on the plus strand (A>G on the coding strand, the complement: RNF43 is on the minus strand). VCF-style: chr17-58357927-T-C. GRCh37 (hg19) VCF-style: chr17-56435288-T-C.
Other names: c.1849A>G, p.Arg617Gly (NM_001305544.3); c.1468A>G, p.Arg490Gly (NM_001305545.2); short protein forms R617G, R490G.
Identifiers: ClinVar variation 3946856 (VCV003946856.1).

ClinVar aggregate classification (germline): Uncertain significance (1 of 4 stars; one submission).

Submission:

Ambry Genetics
Classification: Uncertain significance. Last evaluated: 2025-04-17. Review status: criteria provided, single submitter. Criteria: Ambry Variant Classification Scheme 2023. Collection method: clinical testing. Allele origin: germline.
Comment: The p.R617G variant (also known as c.1849A>G), located in coding exon 8 of the RNF43 gene, results from an A to G substitution at nucleotide position 1849. The arginine at codon 617 is replaced by glycine, an amino acid with dissimilar properties. This amino acid position is conserved. In addition, this alteration is predicted to be tolerated by in silico analysis. Based on the available evidence, the clinical significance of this variant remains unclear.